The following is an entry in ClinVar:

ClinVar aggregate classification (germline): Uncertain significance. Review status: criteria provided, multiple submitters, no conflicts (2 of 4 stars). 2 submissions from 2 submitters: Uncertain significance (2). Last evaluated 2022-07-26.

Conditions:
Autosomal dominant limb-girdle muscular dystrophy type 1G (LGMDD3). Also called: Limb-girdle muscular dystrophy, type 1G; MUSCULAR DYSTROPHY, LIMB-GIRDLE, AUTOSOMAL DOMINANT 3. Identifiers: Orphanet 55596, MedGen C1836765, MONDO:0012193, OMIM 609115.

Submissions (2):

Labcorp Genetics (formerly Invitae), Labcorp
Classification: Uncertain significance for Autosomal dominant limb-girdle muscular dystrophy type 1G. Last evaluated: 2022-07-26. Review status: criteria provided, single submitter. Criteria: Invitae Variant Classification Sherloc (09022015). Collection method: clinical testing. Allele origin: germline.
Comment: This sequence change replaces aspartic acid, which is acidic and polar, with glutamic acid, which is acidic and polar, at codon 214 of the HNRNPDL protein (p.Asp214Glu). This variant is not present in population databases (gnomAD no frequency). This variant has not been reported in the literature in individuals affected with HNRNPDL-related conditions. ClinVar contains an entry for this variant (Variation ID: 1693883). Algorithms developed to predict the effect of missense changes on protein structure and function are either unavailable or do not agree on the potential impact of this missense change (SIFT: "Deleterious"; PolyPhen-2: "Benign"; Align-GVGD: "Class C35"). In summary, the available evidence is currently insufficient to determine the role of this variant in disease. Therefore, it has been classified as a Variant of Uncertain Significance.

Mayo Clinic Laboratories, Mayo Clinic
Classification: Uncertain significance. Last evaluated: 2021-10-08. Review status: criteria provided, single submitter. Criteria: ACMG Guidelines, 2015. Collection method: clinical testing. Allele origin: germline.

NM_031372.4(HNRNPDL):c.642T>G (p.Asp214Glu)

Gene: HNRNPDL (heterogeneous nuclear ribonucleoprotein D like; minus strand). Cytogenetic location: 4q21.22.
Variant type: single nucleotide variant.
Coding change: c.642T>G on transcript NM_031372.4 (MANE Select); coding-DNA position 642, T replaced by G.
Protein change: p.Asp214Glu; replaces aspartic acid 214 with glutamic acid.
Molecular consequence: missense variant. On other transcripts: non-coding transcript variant (1).
Genome position (GRCh38, 1-based): chr4:82,428,150, A>C on the plus strand (T>G on the coding strand, the complement: HNRNPDL is on the minus strand). VCF-style: chr4-82428150-A-C. GRCh37 (hg19) VCF-style: chr4-83349303-A-C.
Other names: p.Asp214Glu; c.642T>G, p.Asp214Glu (NM_001207000.1); short protein forms D214E.
Identifiers: ClinVar variation 1693883 (VCV001693883.9), dbSNP rs2110029412, ClinGen allele CA357170971.
Genomic context (GRCh38, chr4:82,428,150, plus strand): 5'-CTTTTTGGGAGGTTCTTTCCCTTTTAAAGCTTTGGCCCTTTTGGGATCTATCAATTTGCC[A>C]TCCAGTTTGTGTTCTTTCAGTTCCAAAACCTACAAGACAGATTTATTTAATCTGACAGCA-3'
Protein context (NP_112740.1, residues 204-224): KVLELKEHKL[Asp214Glu]GKLIDPKRAK